The following is an entry in ClinVar:

ClinVar aggregate classification (germline): Uncertain significance (1 of 4 stars; one submission).

Conditions:
Charcot-Marie-Tooth disease axonal type 2O. Also called: CHARCOT-MARIE-TOOTH NEUROPATHY, AXONAL, TYPE 2O; CHARCOT-MARIE-TOOTH DISEASE, AXONAL, AUTOSOMAL DOMINANT, TYPE 2O; Charcot-Marie-Tooth Neuropathy Type 2O; Charcot-Marie-Tooth disease, axonal, type 20. Identifiers: Orphanet 284232, MedGen C3280220, MONDO:0013644, OMIM 614228.

Submission:

Labcorp Genetics (formerly Invitae), Labcorp
Classification: Uncertain significance for Charcot-Marie-Tooth disease axonal type 2O. Last evaluated: 2022-10-02. Review status: criteria provided, single submitter. Criteria: Invitae Variant Classification Sherloc (09022015). Collection method: clinical testing. Allele origin: germline.
Comment: In summary, the available evidence is currently insufficient to determine the role of this variant in disease. Therefore, it has been classified as a Variant of Uncertain Significance. Advanced modeling of protein sequence and biophysical properties (such as structural, functional, and spatial information, amino acid conservation, physicochemical variation, residue mobility, and thermodynamic stability) performed at Invitae indicates that this missense variant is not expected to disrupt DYNC1H1 protein function. This variant has not been reported in the literature in individuals affected with DYNC1H1-related conditions. This sequence change replaces serine, which is neutral and polar, with alanine, which is neutral and non-polar, at codon 1334 of the DYNC1H1 protein (p.Ser1334Ala). This variant is not present in population databases (gnomAD no frequency).

NM_001376.5(DYNC1H1):c.4000T>G (p.Ser1334Ala)

Gene: DYNC1H1 (dynein cytoplasmic 1 heavy chain 1; plus strand). Cytogenetic location: 14q32.31.
Variant type: single nucleotide variant.
Coding change: c.4000T>G on transcript NM_001376.5 (MANE Select); coding-DNA position 4000, T replaced by G.
Protein change: p.Ser1334Ala; replaces serine 1334 with alanine.
Molecular consequence: missense variant.
Genome position (GRCh38, 1-based): chr14:102,000,325, T>G. VCF-style: chr14-102000325-T-G. GRCh37 (hg19) VCF-style: chr14-102466662-T-G.
Other names: short protein forms S1334A.
Identifiers: ClinVar variation 2415168 (VCV002415168.6), dbSNP rs2503727221, ClinGen allele CA391039199.